The following is an entry in ClinVar:

NM_022835.3(PLEKHG2):c.2678T>C (p.Leu893Pro)

Gene: PLEKHG2 (pleckstrin homology and RhoGEF domain containing G2; plus strand). Cytogenetic location: 19q13.2.
Variant type: single nucleotide variant.
Coding change: c.2678T>C on transcript NM_022835.3 (MANE Select); coding-DNA position 2678, T replaced by C.
Protein change: p.Leu893Pro; replaces leucine 893 with proline.
Molecular consequence: missense variant. On other transcripts: intron variant (1).
Genome position (GRCh38, 1-based): chr19:39,423,811, T>C. VCF-style: chr19-39423811-T-C. GRCh37 (hg19) VCF-style: chr19-39914451-T-C.
Other names: c.2501T>C, p.Leu834Pro (NM_001351693.2); c.1678-1427T>C (NM_001351694.2); short protein forms L834P, L893P.
Identifiers: ClinVar variation 1904686 (VCV001904686.5), dbSNP rs916829711, ClinGen allele CA308244927.

ClinVar aggregate classification (germline): Uncertain significance (1 of 4 stars; one submission).

Allele frequency attached by ClinVar (database versions not stated): gnomAD exomes below 0.00001; gnomAD 0.00001; TOPMed 0.00003.
gnomAD v4.1: 7 of 1,614,090 alleles (0.00043%); highest among the groups gnomAD compares: Non-Finnish European, 0.00025%; no homozygotes.

Submission:

Labcorp Genetics (formerly Invitae), Labcorp
Classification: Uncertain significance. Last evaluated: 2022-01-17. Review status: criteria provided, single submitter. Criteria: Invitae Variant Classification Sherloc (09022015). Collection method: clinical testing. Allele origin: germline.
Comment: This variant is not present in population databases (gnomAD no frequency). This variant has not been reported in the literature in individuals affected with PLEKHG2-related conditions. Algorithms developed to predict the effect of missense changes on protein structure and function (SIFT, PolyPhen-2, Align-GVGD) all suggest that this variant is likely to be disruptive. In summary, the available evidence is currently insufficient to determine the role of this variant in disease. Therefore, it has been classified as a Variant of Uncertain Significance. This sequence change replaces leucine, which is neutral and non-polar, with proline, which is neutral and non-polar, at codon 893 of the PLEKHG2 protein (p.Leu893Pro).